The following is an entry in ClinVar:

NM_000059.4(BRCA2):c.1804G>T (p.Gly602Ter)

Gene: BRCA2 (BRCA2 DNA repair associated; plus strand). Cytogenetic location: 13q13.1.
Variant type: single nucleotide variant.
Coding change: c.1804G>T on transcript NM_000059.4 (MANE Select); coding-DNA position 1804, G replaced by T.
Protein change: p.Gly602Ter; replaces glycine 602 with a stop codon.
Molecular consequence: nonsense.
Genome position (GRCh38, 1-based): chr13:32,333,282, G>T. VCF-style: chr13-32333282-G-T. GRCh37 (hg19) VCF-style: chr13-32907419-G-T.
Other names: short protein forms G602*.
Identifiers: ClinVar variation 942890 (VCV000942890.9), dbSNP rs80358466, ClinGen allele CA387765889.

ClinVar aggregate classification (germline): Pathogenic/Likely pathogenic. Review status: criteria provided, multiple submitters, no conflicts (2 of 4 stars). 2 submissions from 2 submitters: Pathogenic (1); Likely pathogenic (1). Last evaluated 2023-04-25.

Conditions:
Hereditary breast ovarian cancer syndrome. Also called: Hereditary breast and ovarian cancer syndrome (HBOC); Hereditary breast and ovarian cancer; Breast and ovarian cancer; BRCA1- and BRCA2-Associated Hereditary Breast and Ovarian Cancer; Hereditary breast and ovarian cancer syndrome; Hereditary breast and/or ovarian cancer syndrome. Identifiers: Orphanet 145, MedGen C0677776, MeSH D061325, MONDO:0003582. Disease mechanism: loss of function.

gnomAD v4.1: 1 of 1,602,706 alleles (0.000062%); highest among the groups gnomAD compares: Non-Finnish European, 0.000085%; no homozygotes.

Submissions (2):

Labcorp Genetics (formerly Invitae), Labcorp
Classification: Pathogenic for Hereditary breast ovarian cancer syndrome. Last evaluated: 2023-04-25. Review status: criteria provided, single submitter. Criteria: Invitae Variant Classification Sherloc (09022015). Collection method: clinical testing. Allele origin: germline.
Comment: For these reasons, this variant has been classified as Pathogenic. ClinVar contains an entry for this variant (Variation ID: 942890). This variant has not been reported in the literature in individuals affected with BRCA2-related conditions. This variant is not present in population databases (gnomAD no frequency). This sequence change creates a premature translational stop signal (p.Gly602*) in the BRCA2 gene. It is expected to result in an absent or disrupted protein product. Loss-of-function variants in BRCA2 are known to be pathogenic (PMID: 20104584).

Laboratory for Molecular Medicine, Mass General Brigham Personalized Medicine
Classification: Likely pathogenic for Hereditary breast ovarian cancer syndrome. Last evaluated: 2019-10-14. Review status: criteria provided, single submitter. Criteria: ACMG Guidelines, 2015. Collection method: clinical testing. Allele origin: germline.
Comment: The p.Gly602X variant in BRCA2 has not been previously reported in individuals with hereditary breast and/or ovarian cancer (HBOC) and was absent from large population studies. This nonsense variant leads to a premature termination codon at position 602, which is predicted to lead to a truncated or absent protein. Loss of function of the BRCA2 gene is an established disease mechanism in autosomal dominant HBOC. In summary, although additional studies are required to fully establish its clinical significance, this variant meets criteria to be classified as likely pathogenic for autosomal dominant HBOC. ACMG/AMP Criteria applied: PVS1, PM2.

Literature cited by the submitters: PubMed 20104584 (cited by Labcorp Genetics (formerly Invitae), Labcorp).